The following is an entry in ClinVar:

ClinVar aggregate classification (germline): Uncertain significance. Review status: criteria provided, multiple submitters, no conflicts (2 of 4 stars). 3 submissions from 3 submitters: Uncertain significance (3). Last evaluated 2025-05-05.

Conditions:
Baller-Gerold syndrome (BGS). Also called: CRANIOSYNOSTOSIS WITH RADIAL DEFECTS. Identifiers: Orphanet 1225, MedGen C0265308, MONDO:0009039, OMIM 218600.
Inborn genetic diseases. Identifiers: MedGen C0950123, MeSH D030342.

Allele frequency attached by ClinVar (database versions not stated): ExAC 0.00001; gnomAD exomes 0.00001; TOPMed 0.00001; gnomAD 0.00004.

Submissions (3):

Labcorp Genetics (formerly Invitae), Labcorp
Classification: Uncertain significance for Baller-Gerold syndrome. Last evaluated: 2025-05-05. Review status: criteria provided, single submitter. Criteria: Invitae Variant Classification Sherloc (09022015). Collection method: clinical testing. Allele origin: germline.
Comment: This sequence change replaces glycine, which is neutral and non-polar, with aspartic acid, which is acidic and polar, at codon 144 of the RECQL4 protein (p.Gly144Asp). This variant is present in population databases (rs758010588, gnomAD 0.02%). This variant has not been reported in the literature in individuals affected with RECQL4-related conditions. ClinVar contains an entry for this variant (Variation ID: 282377). Invitae Evidence Modeling of protein sequence and biophysical properties (such as structural, functional, and spatial information, amino acid conservation, physicochemical variation, residue mobility, and thermodynamic stability) indicates that this missense variant is not expected to disrupt RECQL4 protein function with a negative predictive value of 80%. Algorithms developed to predict the effect of sequence changes on RNA splicing suggest that this variant may disrupt the consensus splice site. In summary, the available evidence is currently insufficient to determine the role of this variant in disease. Therefore, it has been classified as a Variant of Uncertain Significance.

Ambry Genetics
Classification: Uncertain significance for Inborn genetic diseases. Last evaluated: 2025-04-07. Review status: criteria provided, single submitter. Criteria: Ambry Variant Classification Scheme 2023. Collection method: clinical testing. Allele origin: germline.
Comment: The p.G144D variant (also known as c.431G>A), located in coding exon 5 of the RECQL4 gene, results from a G to A substitution at nucleotide position 431. The glycine at codon 144 is replaced by aspartic acid, an amino acid with similar properties. This amino acid position is conserved. In addition, this alteration is predicted to be tolerated by in silico analysis. Based on the available evidence, the clinical significance of this variant remains unclear.

Eurofins Ntd Llc (ga)
Classification: Uncertain significance. Last evaluated: 2015-08-12. Review status: criteria provided, single submitter. Criteria: EGL Classification Definitions 2015. Collection method: clinical testing. Allele origin: germline. Observed: 1 variant allele, 1 heterozygote.

NM_004260.4(RECQL4):c.431G>A (p.Gly144Asp)

Gene: RECQL4 (RecQ like helicase 4; minus strand). Cytogenetic location: 8q24.3.
Variant type: single nucleotide variant.
Coding change: c.431G>A on transcript NM_004260.4 (MANE Select); coding-DNA position 431, G replaced by A.
Protein change: p.Gly144Asp; replaces glycine 144 with aspartic acid.
Molecular consequence: missense variant.
Genome position (GRCh38, 1-based): chr8:144,516,688, C>T on the plus strand (G>A on the coding strand, the complement: RECQL4 is on the minus strand). VCF-style: chr8-144516688-C-T. GRCh37 (hg19) VCF-style: chr8-145742072-C-T.
Other names: short protein forms G144D.
Identifiers: ClinVar variation 282377 (VCV000282377.13), dbSNP rs758010588, ClinGen allele CA4949296.
Genomic context (GRCh38, chr8:144,516,688, plus strand): 5'-TCAGGGAGCTGTGGAGGCTCATCACTGACTTTTTCTGCAAAGGAGGGGACAGGCCCTGTA[C>T]CTGGGGGCTTTGGGGTGGATGCCTTAGATGAGGCTCTTCCTAGAGGCCACGGTCTGCGGC-3'
Protein context (NP_004251.4, residues 134-154): SSKASTPKPP[Gly144Asp]TGPVPSFAEK